The following is an entry in ClinVar:

ClinVar aggregate classification (germline): Pathogenic/Likely pathogenic. Review status: criteria provided, multiple submitters, no conflicts (2 of 4 stars). 2 submissions from 2 submitters: Pathogenic (1); Likely pathogenic (1). Last evaluated 2026-04-10.

Conditions:
Norman-Roberts syndrome (LIS2). Also called: Lissencephaly 2 (Norman-Roberts type). Identifiers: Orphanet 89844, MedGen C0796089, MONDO:0009760, OMIM 257320.
Familial temporal lobe epilepsy 7. Identifiers: Orphanet 101046, MedGen C4225327, MONDO:0014639, OMIM 616436.

gnomAD v4.1: 3 of 1,614,196 alleles (0.00019%); highest among the groups gnomAD compares: Non-Finnish European, 0.000085%; no homozygotes.

Submissions (2):

GeneDx
Classification: Likely pathogenic. Last evaluated: 2026-04-10. Review status: criteria provided, single submitter. Criteria: GeneDx Variant Classification Process June 2021. Collection method: clinical testing. Allele origin: germline.
Comment: Nonsense variant predicted to result in protein truncation or nonsense mediated decay in a gene for which loss of function is a known mechanism of disease; Not observed at significant frequency in large population cohorts (gnomAD); This variant is associated with the following publications: (PMID: 33004838)

Labcorp Genetics (formerly Invitae), Labcorp
Classification: Pathogenic for Familial temporal lobe epilepsy 7; Norman-Roberts syndrome. Last evaluated: 2023-01-25. Review status: criteria provided, single submitter. Criteria: Invitae Variant Classification Sherloc (09022015). Collection method: clinical testing. Allele origin: germline.
Comment: This premature translational stop signal has been observed in individual(s) with neurodevelopmental disorders (PMID: 33004838). This variant is not present in population databases (gnomAD no frequency). This sequence change creates a premature translational stop signal (p.Arg1576*) in the RELN gene. It is expected to result in an absent or disrupted protein product. Loss-of-function variants in RELN are known to be pathogenic (PMID: 10973257, 26046367, 28454995). For these reasons, this variant has been classified as Pathogenic.

Literature cited by the submitters: PubMed 33004838 (cited by Labcorp Genetics (formerly Invitae), Labcorp); PubMed 10973257 (cited by Labcorp Genetics (formerly Invitae), Labcorp); PubMed 26046367 (cited by Labcorp Genetics (formerly Invitae), Labcorp); PubMed 28454995 (cited by Labcorp Genetics (formerly Invitae), Labcorp).

NM_005045.4(RELN):c.4726C>T (p.Arg1576Ter)

Gene: RELN (reelin; minus strand). Cytogenetic location: 7q22.1.
Variant type: single nucleotide variant.
Coding change: c.4726C>T on transcript NM_005045.4 (MANE Select); coding-DNA position 4726, C replaced by T.
Protein change: p.Arg1576Ter; replaces arginine 1576 with a stop codon.
Molecular consequence: nonsense.
Genome position (GRCh38, 1-based): chr7:103,566,622, G>A on the plus strand (C>T on the coding strand, the complement: RELN is on the minus strand). VCF-style: chr7-103566622-G-A. GRCh37 (hg19) VCF-style: chr7-103207069-G-A.
Other names: c.4726C>T, p.Arg1576Ter (NM_173054.3); c.4726C>T (NM_005045.3); short protein forms R1576*.
Identifiers: ClinVar variation 2938091 (VCV002938091.4), dbSNP rs1212988348, ClinGen allele CA368748383.